The following is an entry in ClinVar:

NM_006922.4(SCN3A):c.4113C>T (p.Asn1371=)

Gene: SCN3A (sodium voltage-gated channel alpha subunit 3; minus strand). Cytogenetic location: 2q24.3.
Variant type: single nucleotide variant.
Coding change: c.4113C>T on transcript NM_006922.4 (MANE Select); coding-DNA position 4113, C replaced by T.
Protein change: p.Asn1371=; no amino-acid change (asparagine 1371 retained).
Molecular consequence: synonymous variant.
Genome position (GRCh38, 1-based): chr2:165,097,378, G>A on the plus strand (C>T on the coding strand, the complement: SCN3A is on the minus strand). VCF-style: chr2-165097378-G-A. GRCh37 (hg19) VCF-style: chr2-165953888-G-A.
Other names: c.3966C>T, p.Asn1322= (NM_001081676.2, NM_001081677.2).
Identifiers: ClinVar variation 1118984 (VCV001118984.31), dbSNP rs143550352, ClinGen allele CA1938646.

ClinVar aggregate classification (germline): Likely benign. Review status: criteria provided, multiple submitters, no conflicts (2 of 4 stars). 2 submissions from 2 submitters: Likely benign (2). Last evaluated 2025-09-23.

Allele frequency attached by ClinVar (database versions not stated): gnomAD exomes 0.00003 and 0.00005; TOPMed 0.00003; ExAC 0.00004; gnomAD 0.00006; ESP Exome Variant Server 0.00008.
gnomAD v4.1: 77 of 1,613,894 alleles (0.0048%); highest among the groups gnomAD compares: Admixed American, 0.0067%; no homozygotes.

Submissions (2):

Labcorp Genetics (formerly Invitae), Labcorp
Classification: Likely benign. Last evaluated: 2025-09-23. Review status: criteria provided, single submitter. Criteria: Invitae Variant Classification Sherloc (09022015). Collection method: clinical testing. Allele origin: germline.

CeGaT Center for Human Genetics Tuebingen
Classification: Likely benign. Last evaluated: 2023-12-01. Review status: criteria provided, single submitter. Criteria: CeGaT Center For Human Genetics Tuebingen Variant Classification Criteria Version 2. Collection method: clinical testing. Allele origin: germline. Affected: yes. Observed: 1 variant allele.
Comment: SCN3A: BP4, BP7